The following is an entry in ClinVar:

NM_207315.4(CMPK2):c.476C>T (p.Pro159Leu)

Genes: CMPK2 (cytidine/uridine monophosphate kinase 2; minus strand), LOC129933018 (ATAC-STARR-seq lymphoblastoid silent region 11120; plus strand). Cytogenetic location: 2p25.2.
Variant type: single nucleotide variant.
Coding change: c.476C>T on transcript NM_207315.4 (MANE Select); coding-DNA position 476, C replaced by T.
Protein change: p.Pro159Leu; replaces proline 159 with leucine.
Molecular consequence: missense variant.
Genome position (GRCh38, 1-based): chr2:6,865,221, G>A on the plus strand (C>T on the coding strand, the complement: CMPK2 is on the minus strand). VCF-style: chr2-6865221-G-A. GRCh37 (hg19) VCF-style: chr2-7005352-G-A.
Other names: c.476C>T, p.Pro159Leu (NM_001256477.1, NM_001256478.1); short protein forms P159L.
Identifiers: ClinVar variation 3046192 (VCV003046192.2), dbSNP rs201663837, ClinGen allele CA1518281.

ClinVar aggregate classification (germline): Likely benign (0 of 4 stars; one submission).

Conditions:
CMPK2-related disorder. Also called: CMPK2-related condition.

Allele frequency attached by ClinVar (database versions not stated): TOPMed 0.00057; gnomAD 0.00060; ESP Exome Variant Server 0.00069; ExAC 0.00122.
gnomAD v4.1: 1,469 of 1,535,344 alleles (0.096%); highest among the groups gnomAD compares: Non-Finnish European, 0.12%; 1 homozygote.

Submission:

PreventionGenetics, part of Exact Sciences
Classification: Likely benign for CMPK2-related condition. Last evaluated: 2022-12-28. Review status: no assertion criteria provided. Collection method: clinical testing. Allele origin: germline.
Comment: This variant is classified as likely benign based on ACMG/AMP sequence variant interpretation guidelines (Richards et al. 2015 PMID: 25741868, with internal and published modifications).